The following is an entry in ClinVar:

ClinVar aggregate classification (germline): Uncertain significance (1 of 4 stars; one submission).

Conditions:
Werner syndrome (WRN). Identifiers: Orphanet 902, MedGen C0043119, MONDO:0010196, OMIM 277700.

Submission:

Labcorp Genetics (formerly Invitae), Labcorp
Classification: Uncertain significance for Werner syndrome. Last evaluated: 2025-05-05. Review status: criteria provided, single submitter. Criteria: Invitae Variant Classification Sherloc (09022015). Collection method: clinical testing. Allele origin: germline.
Comment: This sequence change replaces asparagine, which is neutral and polar, with lysine, which is basic and polar, at codon 20 of the WRN protein (p.Asn20Lys). This variant is not present in population databases (gnomAD no frequency). This variant has not been reported in the literature in individuals affected with WRN-related conditions. ClinVar contains an entry for this variant (Variation ID: 570997). An algorithm developed to predict the effect of missense changes on protein structure and function (PolyPhen-2) suggests that this variant is likely to be tolerated. RNA analysis performed to evaluate the impact of this missense change on mRNA splicing indicates it does not significantly alter splicing (internal data). In summary, the available evidence is currently insufficient to determine the role of this variant in disease. Therefore, it has been classified as a Variant of Uncertain Significance.

NM_000553.6(WRN):c.60T>G (p.Asn20Lys)

Gene: WRN (WRN RecQ like helicase; plus strand). Cytogenetic location: 8p12.
Variant type: single nucleotide variant.
Coding change: c.60T>G on transcript NM_000553.6 (MANE Select); coding-DNA position 60, T replaced by G.
Protein change: p.Asn20Lys; replaces asparagine 20 with lysine.
Molecular consequence: missense variant.
Genome position (GRCh38, 1-based): chr8:31,058,507, T>G. VCF-style: chr8-31058507-T-G. GRCh37 (hg19) VCF-style: chr8-30916023-T-G.
Other names: short protein forms N20K.
Identifiers: ClinVar variation 570997 (VCV000570997.8), dbSNP rs1368830510, ClinGen allele CA370912199.